The following is an entry in ClinVar:

NM_000069.3(CACNA1S):c.5531G>A (p.Ser1844Asn)

Gene: CACNA1S (calcium voltage-gated channel subunit alpha1 S; minus strand). Cytogenetic location: 1q32.1.
Variant type: single nucleotide variant.
Coding change: c.5531G>A on transcript NM_000069.3 (MANE Select); coding-DNA position 5531, G replaced by A.
Protein change: p.Ser1844Asn; replaces serine 1844 with asparagine.
Molecular consequence: missense variant.
Genome position (GRCh38, 1-based): chr1:201,039,922, C>T on the plus strand (G>A on the coding strand, the complement: CACNA1S is on the minus strand). VCF-style: chr1-201039922-C-T. GRCh37 (hg19) VCF-style: chr1-201009050-C-T.
Other names: short protein forms S1844N.
Identifiers: ClinVar variation 948851 (VCV000948851.11), dbSNP rs145195149, ClinGen allele CA344128586.

ClinVar aggregate classification (germline): Uncertain significance. Review status: criteria provided, multiple submitters, no conflicts (2 of 4 stars). 2 submissions from 2 submitters: Uncertain significance (2). Last evaluated 2025-06-24.

Conditions:
Hypokalemic periodic paralysis, type 1. Also called: HypoPP; Hypokalemic Periodic Paralysis Type 1 (AD). Identifiers: Orphanet 681, MedGen C3714580, MONDO:0042979, OMIM 170400.
Malignant hyperthermia, susceptibility to, 5 (MHS5). Also called: CACNA1S-Related Malignant Hyperthermia Susceptibility. Identifiers: Orphanet 423, MedGen C1866077, MONDO:0011163, OMIM 601887.
Inborn genetic diseases. Identifiers: MedGen C0950123, MeSH D030342.

Submissions (2):

Ambry Genetics
Classification: Uncertain significance for Inborn genetic diseases. Last evaluated: 2025-06-24. Review status: criteria provided, single submitter. Criteria: Ambry Variant Classification Scheme 2023. Collection method: clinical testing. Allele origin: germline.

Labcorp Genetics (formerly Invitae), Labcorp
Classification: Uncertain significance for Hypokalemic periodic paralysis, type 1; Malignant hyperthermia, susceptibility to, 5. Last evaluated: 2022-07-11. Review status: criteria provided, single submitter. Criteria: Invitae Variant Classification Sherloc (09022015). Collection method: clinical testing. Allele origin: germline.
Comment: In summary, the available evidence is currently insufficient to determine the role of this variant in disease. Therefore, it has been classified as a Variant of Uncertain Significance. Advanced modeling of protein sequence and biophysical properties (such as structural, functional, and spatial information, amino acid conservation, physicochemical variation, residue mobility, and thermodynamic stability) performed at Invitae indicates that this missense variant is not expected to disrupt CACNA1S protein function. ClinVar contains an entry for this variant (Variation ID: 948851). This variant has not been reported in the literature in individuals affected with CACNA1S-related conditions. This variant is not present in population databases (gnomAD no frequency). This sequence change replaces serine, which is neutral and polar, with asparagine, which is neutral and polar, at codon 1844 of the CACNA1S protein (p.Ser1844Asn).